The following is an entry in ClinVar:

NM_015629.4(PRPF31):c.562G>A (p.Glu188Lys)

Gene: PRPF31 (pre-mRNA processing factor 31; plus strand). Cytogenetic location: 19q13.42.
Variant type: single nucleotide variant.
Coding change: c.562G>A on transcript NM_015629.4 (MANE Select); coding-DNA position 562, G replaced by A.
Protein change: p.Glu188Lys; replaces glutamic acid 188 with lysine.
Molecular consequence: missense variant.
Genome position (GRCh38, 1-based): chr19:54,123,783, G>A. VCF-style: chr19-54123783-G-A. GRCh37 (hg19) VCF-style: chr19-54627162-G-A.
Other names: c.562G>A (NM_015629.3); short protein forms E188K.
Identifiers: ClinVar variation 4943818 (VCV004943818.2).

ClinVar aggregate classification (germline): Uncertain significance. Review status: criteria provided, multiple submitters, no conflicts (2 of 4 stars). 2 submissions from 2 submitters: Uncertain significance (2). Last evaluated 2025-11-01.

Conditions:
PRPF31-related disorder. Also called: PRPF31-related condition.

gnomAD v4.1: 6 of 1,611,920 alleles (0.00037%); highest among the groups gnomAD compares: Middle Eastern, 0.017%; no homozygotes.

Submissions (2):

PreventionGenetics, part of Exact Sciences
Classification: Uncertain significance for PRPF31-related condition. Last evaluated: 2025-11-01. Review status: criteria provided, single submitter. Criteria: ACMG Guidelines, 2015. Collection method: clinical testing. Allele origin: germline.
Comment: The PRPF31 c.562G>A variant is predicted to result in the amino acid substitution p.Glu188Lys. To our knowledge, this variant has not been reported in the literature. This variant is reported in 0.0029% of alleles in individuals of Latino descent in gnomAD. At this time, the clinical significance of this variant is uncertain due to the absence of conclusive functional and genetic evidence.

Blueprint Genetics
Classification: Uncertain significance. Last evaluated: 2019-01-31. Review status: criteria provided, single submitter. Criteria: ACMG Guidelines, 2015. Collection method: clinical testing. Allele origin: germline.